The following is an entry in ClinVar:

ClinVar aggregate classification (germline): Uncertain significance. Review status: criteria provided, multiple submitters, no conflicts (2 of 4 stars). 2 submissions from 2 submitters: Uncertain significance (2). Last evaluated 2022-09-03.

Submissions (2):

Labcorp Genetics (formerly Invitae), Labcorp
Classification: Uncertain significance. Last evaluated: 2022-09-03. Review status: criteria provided, single submitter. Criteria: Invitae Variant Classification Sherloc (09022015). Collection method: clinical testing. Allele origin: germline.
Comment: This sequence change replaces proline, which is neutral and non-polar, with arginine, which is basic and polar, at codon 1509 of the SCN3A protein (p.Pro1509Arg). This variant is not present in population databases (gnomAD no frequency). This variant has not been reported in the literature in individuals affected with SCN3A-related conditions. In summary, the available evidence is currently insufficient to determine the role of this variant in disease. Therefore, it has been classified as a Variant of Uncertain Significance. Algorithms developed to predict the effect of missense changes on protein structure and function are either unavailable or do not agree on the potential impact of this missense change (SIFT: "Deleterious"; PolyPhen-2: "Probably Damaging"; Align-GVGD: "Class C0"). ClinVar contains an entry for this variant (Variation ID: 949306).

GeneDx
Classification: Uncertain significance. Last evaluated: 2022-06-09. Review status: criteria provided, single submitter. Criteria: GeneDx Variant Classification Process June 2021. Collection method: clinical testing. Allele origin: germline. Affected: yes.
Comment: Not observed at significant frequency in large population cohorts (gnomAD); In silico analysis supports that this missense variant has a deleterious effect on protein structure/function; Has not been previously published as pathogenic or benign to our knowledge

NM_006922.4(SCN3A):c.4526C>G (p.Pro1509Arg)

Gene: SCN3A (sodium voltage-gated channel alpha subunit 3; minus strand). Cytogenetic location: 2q24.3.
Variant type: single nucleotide variant.
Coding change: c.4526C>G on transcript NM_006922.4 (MANE Select); coding-DNA position 4526, C replaced by G.
Protein change: p.Pro1509Arg; replaces proline 1509 with arginine.
Molecular consequence: missense variant.
Genome position (GRCh38, 1-based): chr2:165,094,384, G>C on the plus strand (C>G on the coding strand, the complement: SCN3A is on the minus strand). VCF-style: chr2-165094384-G-C. GRCh37 (hg19) VCF-style: chr2-165950894-G-C.
Other names: c.4379C>G, p.Pro1460Arg (NM_001081676.2, NM_001081677.2); short protein forms P1509R, P1460R.
Identifiers: ClinVar variation 949306 (VCV000949306.10), dbSNP rs1685257527, ClinGen allele CA349020007.